The following is an entry in ClinVar:

NM_006005.3(WFS1):c.2246C>T (p.Thr749Met)

Gene: WFS1 (wolframin ER transmembrane glycoprotein; plus strand). Cytogenetic location: 4p16.1.
Variant type: single nucleotide variant.
Coding change: c.2246C>T on transcript NM_006005.3 (MANE Select); coding-DNA position 2246, C replaced by T.
Protein change: p.Thr749Met; replaces threonine 749 with methionine.
Molecular consequence: missense variant.
Genome position (GRCh38, 1-based): chr4:6,302,041, C>T. VCF-style: chr4-6302041-C-T. GRCh37 (hg19) VCF-style: chr4-6303768-C-T.
Other names: c.2246C>T, p.Thr749Met (NM_001145853.1); short protein forms T749M.
Identifiers: ClinVar variation 906718 (VCV000906718.16), dbSNP rs199769524, ClinGen allele CA2839658.

ClinVar aggregate classification (germline): Conflicting classifications of pathogenicity. Review status: criteria provided, conflicting classifications (1 of 4 stars). 8 submissions from 7 submitters: Uncertain significance (7); Likely benign (1). Last evaluated 2026-02-27.

Conditions:
WFS1-Related Spectrum Disorders.
Autosomal dominant nonsyndromic hearing loss 6 (LFSNHL). Also called: DEAFNESS, AUTOSOMAL DOMINANT 6; Autosomal dominant nonsyndromic deafness 6; DEAFNESS, AUTOSOMAL DOMINANT 14; DEAFNESS, AUTOSOMAL DOMINANT 38. Identifiers: Orphanet 90635, MedGen C1833021, MONDO:0010963, OMIM 600965.
Wolfram syndrome 1 (WFS1). Identifiers: Orphanet 3463, MedGen C4551693, MONDO:0009101, OMIM 222300.
WFS1-related disorder. Identifiers: MedGen CN379391, MONDO:0700293.
Cataract 41 (CTRCT41). Also called: CATARACT 41, CONGENITAL NUCLEAR TYPE. Identifiers: Orphanet 91492, Orphanet 98991, Orphanet 98992, Orphanet 98995, MedGen C3805412, MONDO:0007287, OMIM 116400.
Wolfram-like syndrome. Also called: HEARING LOSS, PROGRESSIVE, WITH OPTIC ATROPHY AND/OR IMPAIRED GLUCOSE REGULATION. Identifiers: Orphanet 411590, MedGen C3280358, MONDO:0013673, OMIM 614296.
Type 2 diabetes mellitus. Also called: Type II diabetes mellitus. Identifiers: MedGen C0011860, MeSH D003924, MONDO:0005148, OMIM 125853, HP:0005978.

Allele frequency attached by ClinVar (database versions not stated): gnomAD 0.00002; TOPMed 0.00002; ESP Exome Variant Server 0.00008.
gnomAD v4.1: 22 of 1,612,702 alleles (0.0014%); highest among the groups gnomAD compares: African/African-American, 0.004%; no homozygotes.

Submissions (8):

PreventionGenetics, part of Exact Sciences
Classification: Uncertain significance for WFS1-related condition. Last evaluated: 2026-02-27. Review status: criteria provided, single submitter. Criteria: ACMG Guidelines, 2015. Collection method: clinical testing. Allele origin: germline.
Comment: The WFS1 c.2246C>T variant is predicted to result in the amino acid substitution p.Thr749Met. This variant has been reported in the heterozygous state in a cohort of individuals with nonsyndromic sensorineural hearing loss (Supplemental Table 2, Usami et al. 2022. PubMed ID: 34599366). This variant is reported in 0.0018% of alleles in individuals of European (non-Finnish) descent in gnomAD. At this time, the clinical significance of this variant is uncertain due to the absence of conclusive functional and genetic evidence.

Labcorp Genetics (formerly Invitae), Labcorp
Classification: Uncertain significance. Last evaluated: 2025-07-16. Review status: criteria provided, single submitter. Criteria: Invitae Variant Classification Sherloc (09022015). Collection method: clinical testing. Allele origin: germline.
Comment: This sequence change replaces threonine, which is neutral and polar, with methionine, which is neutral and non-polar, at codon 749 of the WFS1 protein (p.Thr749Met). This variant is present in population databases (rs199769524, gnomAD 0.002%). This variant has not been reported in the literature in individuals affected with WFS1-related conditions. ClinVar contains an entry for this variant (Variation ID: 906718). Invitae Evidence Modeling of protein sequence and biophysical properties (such as structural, functional, and spatial information, amino acid conservation, physicochemical variation, residue mobility, and thermodynamic stability) indicates that this missense variant is not expected to disrupt WFS1 protein function with a negative predictive value of 95%. In summary, the available evidence is currently insufficient to determine the role of this variant in disease. Therefore, it has been classified as a Variant of Uncertain Significance.

Women's Health and Genetics/Laboratory Corporation of America, LabCorp
Classification: Uncertain significance. Last evaluated: 2025-05-13. Review status: criteria provided, single submitter. Criteria: LabCorp Variant Classification Summary - May 2015. Collection method: clinical testing. Allele origin: germline.
Comment: Variant summary: WFS1 c.2246C>T (p.Thr749Met) results in a non-conservative amino acid change in the encoded protein sequence. Algorithms developed to predict the effect of missense changes on protein structure and function are either unavailable or do not agree on the potential impact of this missense change. The variant allele was found at a frequency of 8.1e-06 in 245570 control chromosomes. The available data on variant occurrences in the general population are insufficient to allow any conclusion about variant significance. c.2246C>T has been observed in at least an individual affected with hearing loss (Usami_2021). This report, however, does not provide unequivocal conclusions about association of the variant with Wolfram Syndrome 1. To our knowledge, no experimental evidence demonstrating an impact on protein function has been reported. The following publication has been ascertained in the context of this evaluation (PMID: 34599366. ClinVar contains an entry for this variant (Variation ID: 906718). Based on the evidence outlined above, the variant was classified as uncertain significance.

GeneDx
Classification: Uncertain significance. Last evaluated: 2024-11-10. Review status: criteria provided, single submitter. Criteria: GeneDx Variant Classification Process June 2021. Collection method: clinical testing. Allele origin: germline. Affected: yes.
Comment: Not observed at significant frequency in large population cohorts (gnomAD); In silico analysis indicates that this missense variant does not alter protein structure/function; Has not been previously published as pathogenic or benign to our knowledge; This variant is associated with the following publications: (PMID: 33879153, 18060660, 12955714, 17603484, 20301750, 20738327)

Fulgent Genetics
Classification: Uncertain significance for Cataract 41; Type 2 diabetes mellitus; Wolfram syndrome 1; Autosomal dominant nonsyndromic hearing loss 6; Wolfram-like syndrome. Last evaluated: 2024-01-03. Review status: criteria provided, single submitter. Criteria: ACMG Guidelines, 2015. Collection method: clinical testing. Allele origin: germline.

Illumina Laboratory Services, Illumina
Classification: Uncertain significance for WFS1-Related Spectrum Disorders. Last evaluated: 2018-01-12. Review status: criteria provided, single submitter. Criteria: ICSL Variant Classification Criteria 13 December 2019. Collection method: clinical testing. Allele origin: germline.

Illumina Laboratory Services, Illumina
Classification: Uncertain significance for Autosomal dominant nonsyndromic hearing loss 6. Last evaluated: 2018-01-12. Review status: criteria provided, single submitter. Criteria: ICSL Variant Classification Criteria 13 December 2019. Collection method: clinical testing. Allele origin: germline.

Clinical Genomics, Uppaluri K&H Personalized Medicine Clinic
Classification: Likely benign for Wolfram syndrome 1. Review status: criteria provided, single submitter. Criteria: K & H Uppaluri Personalized Medicine Clinic Variant Classification & Assertion Criteria_Updated V.1. Collection method: research. Allele origin: unknown. Inheritance: Autosomal recessive inheritance.
Comment: Potent mutations in WFS1 gene are associated with Wolfram's syndrome, an autosomal recessive condition, which cause diabetes mellitus, diabetes insipidus, deafness and optic atrophy. However no sufficient evidence is found to ascertain the role of this particular variant rs199769524 in Wolfram's syndrome yet.

Literature cited by the submitters: PubMed 34599366 (cited by Women's Health and Genetics/Laboratory Corporation of America, LabCorp); PubMed 20738327 (cited by Clinical Genomics, Uppaluri K&H Personalized Medicine Clinic); PubMed 33879153 (cited by Clinical Genomics, Uppaluri K&H Personalized Medicine Clinic); PubMed 12955714 (cited by Clinical Genomics, Uppaluri K&H Personalized Medicine Clinic); PubMed 18060660 (cited by Clinical Genomics, Uppaluri K&H Personalized Medicine Clinic); PubMed 20301750 (cited by Clinical Genomics, Uppaluri K&H Personalized Medicine Clinic); PubMed 17603484 (cited by Clinical Genomics, Uppaluri K&H Personalized Medicine Clinic).